The following is an entry in ClinVar:

ClinVar aggregate classification (germline): Uncertain significance. Review status: criteria provided, multiple submitters, no conflicts (2 of 4 stars). 2 submissions from 2 submitters: Uncertain significance (2). Last evaluated 2024-01-13.

Conditions:
Cone-rod dystrophy 20 (CORD20). Identifiers: Orphanet 1872, MedGen C4014856, MONDO:0014427, OMIM 615973.

Allele frequency attached by ClinVar (database versions not stated): gnomAD exomes below 0.00001 and 0.00001; ExAC 0.00001; gnomAD 0.00001.

Submissions (2):

Fulgent Genetics
Classification: Uncertain significance for Cone-rod dystrophy 20. Last evaluated: 2024-01-13. Review status: criteria provided, single submitter. Criteria: ACMG Guidelines, 2015. Collection method: clinical testing. Allele origin: germline.

Labcorp Genetics (formerly Invitae), Labcorp
Classification: Uncertain significance. Last evaluated: 2021-09-04. Review status: criteria provided, single submitter. Criteria: Invitae Variant Classification Sherloc (09022015). Collection method: clinical testing. Allele origin: germline.
Comment: In summary, the available evidence is currently insufficient to determine the role of this variant in disease. Therefore, it has been classified as a Variant of Uncertain Significance. Algorithms developed to predict the effect of missense changes on protein structure and function (SIFT, PolyPhen-2, Align-GVGD) all suggest that this variant is likely to be tolerated. This variant has not been reported in the literature in individuals affected with POC1B-related conditions. This variant is present in population databases (rs768581613, ExAC 0.009%). This sequence change replaces methionine with threonine at codon 413 of the POC1B protein (p.Met413Thr). The methionine residue is weakly conserved and there is a moderate physicochemical difference between methionine and threonine.

NM_172240.3(POC1B):c.1238T>C (p.Met413Thr)

Genes: POC1B (POC1 centriolar protein B; minus strand), POC1B-DUSP6 (POC1B-DUSP6 readthrough; minus strand). Cytogenetic location: 12q21.33.
Variant type: single nucleotide variant.
Coding change: c.1238T>C on transcript NM_172240.3 (MANE Select); coding-DNA position 1238, T replaced by C.
Protein change: p.Met413Thr; replaces methionine 413 with threonine.
Molecular consequence: missense variant. On other transcripts: non-coding transcript variant (2).
Genome position (GRCh38, 1-based): chr12:89,425,255, A>G on the plus strand (T>C on the coding strand, the complement: POC1B is on the minus strand). VCF-style: chr12-89425255-A-G. GRCh37 (hg19) VCF-style: chr12-89819032-A-G.
Other names: c.1112T>C, p.Met371Thr (NM_001199777.2); short protein forms M413T, M371T.
Identifiers: ClinVar variation 1474755 (VCV001474755.7), dbSNP rs768581613, ClinGen allele CA6714226.